The following is an entry in ClinVar:

ClinVar aggregate classification (germline): Uncertain significance (1 of 4 stars; one submission).

Conditions:
Episodic ataxia type 2 (EA2). Also called: ACETAZOLAMIDE-RESPONSIVE HEREDITARY PAROXYSMAL CEREBELLAR ATAXIA; ATAXIA, EPISODIC, WITH NYSTAGMUS; ATAXIA, FAMILIAL PAROXYSMAL; CEREBELLAR ATAXIA, PAROXYSMAL, ACETAZOLAMIDE-RESPONSIVE; CEREBELLOPATHY, HEREDITARY PAROXYSMAL; EPISODIC ATAXIA, NYSTAGMUS-ASSOCIATED. Identifiers: Orphanet 97, MedGen C1720416, MONDO:0007163, OMIM 108500.
Developmental and epileptic encephalopathy, 42 (DEE42A). Also called: Epileptic encephalopathy, early infantile, 42; DEVELOPMENTAL AND EPILEPTIC ENCEPHALOPATHY 42A; EPILEPTIC ENCEPHALOPATHY, EARLY INFANTILE, 42A. Identifiers: MedGen C4310716, MONDO:0014917, OMIM 617106.

Submission:

Labcorp Genetics (formerly Invitae), Labcorp
Classification: Uncertain significance for Developmental and epileptic encephalopathy, 42; Episodic ataxia type 2. Last evaluated: 2025-03-25. Review status: criteria provided, single submitter. Criteria: Invitae Variant Classification Sherloc (09022015). Collection method: clinical testing. Allele origin: germline.
Comment: This sequence change replaces glycine, which is neutral and non-polar, with alanine, which is neutral and non-polar, at codon 938 of the CACNA1A protein (p.Gly938Ala). This variant is not present in population databases (gnomAD no frequency). This variant has not been reported in the literature in individuals affected with CACNA1A-related conditions. Invitae Evidence Modeling of protein sequence and biophysical properties (such as structural, functional, and spatial information, amino acid conservation, physicochemical variation, residue mobility, and thermodynamic stability) indicates that this missense variant is not expected to disrupt CACNA1A protein function with a negative predictive value of 95%. In summary, the available evidence is currently insufficient to determine the role of this variant in disease. Therefore, it has been classified as a Variant of Uncertain Significance.

NM_001127222.2(CACNA1A):c.2810G>C (p.Gly937Ala)

Gene: CACNA1A (calcium voltage-gated channel subunit alpha1 A; minus strand). Cytogenetic location: 19p13.13.
Variant type: single nucleotide variant.
Coding change: c.2810G>C on transcript NM_001127222.2 (MANE Select); coding-DNA position 2810, G replaced by C.
Protein change: p.Gly937Ala; replaces glycine 937 with alanine.
Molecular consequence: missense variant.
Genome position (GRCh38, 1-based): chr19:13,298,823, C>G on the plus strand (G>C on the coding strand, the complement: CACNA1A is on the minus strand). VCF-style: chr19-13298823-C-G. GRCh37 (hg19) VCF-style: chr19-13409637-C-G.
Other names: c.2813G>C, p.Gly938Ala (NM_001127221.2, NM_001174080.2); c.2822G>C, p.Gly941Ala (NM_023035.3, NM_000068.4); short protein forms G938A, G941A, G937A.
Identifiers: ClinVar variation 4793315 (VCV004793315.1).